The following is an entry in ClinVar:

NM_001134363.3(RBM20):c.1766G>T (p.Arg589Leu)

Gene: RBM20 (RNA binding motif protein 20; plus strand). Cytogenetic location: 10q25.2.
Variant type: single nucleotide variant.
Coding change: c.1766G>T on transcript NM_001134363.3 (MANE Select); coding-DNA position 1766, G replaced by T.
Protein change: p.Arg589Leu; replaces arginine 589 with leucine.
Molecular consequence: missense variant.
Genome position (GRCh38, 1-based): chr10:110,799,884, G>T. VCF-style: chr10-110799884-G-T. GRCh37 (hg19) VCF-style: chr10-112559642-G-T.
Other names: short protein forms R589L.
Identifiers: ClinVar variation 2449380 (VCV002449380.3), dbSNP rs368716639, ClinGen allele CA5688628.

ClinVar aggregate classification (germline): Uncertain significance. Review status: criteria provided, multiple submitters, no conflicts (2 of 4 stars). 2 submissions from 2 submitters: Uncertain significance (2). Last evaluated 2025-04-11.

Conditions:
Cardiovascular phenotype. Identifiers: MedGen CN230736.
Dilated cardiomyopathy 1DD (CMD1DD). Identifiers: Orphanet 154, MedGen C2750995, MONDO:0013168, OMIM 613172.

Allele frequency attached by ClinVar (database versions not stated): ESP Exome Variant Server 0.00022.
gnomAD v4.1: 4 of 1,551,928 alleles (0.00026%); highest among the groups gnomAD compares: Non-Finnish European, 0.00035%; no homozygotes.

Submissions (2):

Labcorp Genetics (formerly Invitae), Labcorp
Classification: Uncertain significance for Dilated cardiomyopathy 1DD. Last evaluated: 2025-04-11. Review status: criteria provided, single submitter. Criteria: Invitae Variant Classification Sherloc (09022015). Collection method: clinical testing. Allele origin: germline.
Comment: This sequence change replaces arginine, which is basic and polar, with leucine, which is neutral and non-polar, at codon 589 of the RBM20 protein (p.Arg589Leu). This variant is present in population databases (rs368716639, gnomAD 0.002%). This variant has not been reported in the literature in individuals affected with RBM20-related conditions. ClinVar contains an entry for this variant (Variation ID: 2449380). Invitae Evidence Modeling of protein sequence and biophysical properties (such as structural, functional, and spatial information, amino acid conservation, physicochemical variation, residue mobility, and thermodynamic stability) has been performed for this missense variant. However, the output from this modeling did not meet the statistical confidence thresholds required to predict the impact of this variant on RBM20 protein function. In summary, the available evidence is currently insufficient to determine the role of this variant in disease. Therefore, it has been classified as a Variant of Uncertain Significance.

Ambry Genetics
Classification: Uncertain significance for Cardiovascular phenotype. Last evaluated: 2022-11-10. Review status: criteria provided, single submitter. Criteria: Ambry Variant Classification Scheme 2023. Collection method: clinical testing. Allele origin: germline.
Comment: The p.R589L variant (also known as c.1766G>T), located in coding exon 7 of the RBM20 gene, results from a G to T substitution at nucleotide position 1766. The arginine at codon 589 is replaced by leucine, an amino acid with dissimilar properties. This amino acid position is conserved. In addition, this alteration is predicted to be deleterious by in silico analysis. Since supporting evidence is limited at this time, the clinical significance of this alteration remains unclear.